The following is an entry in ClinVar:

NM_174936.4(PCSK9):c.1266T>C (p.Asp422=)

Gene: PCSK9 (proprotein convertase subtilisin/kexin type 9; plus strand). Cytogenetic location: 1p32.3.
Variant type: single nucleotide variant.
Coding change: c.1266T>C on transcript NM_174936.4 (MANE Select); coding-DNA position 1266, T replaced by C.
Protein change: p.Asp422=; no amino-acid change (aspartic acid 422 retained).
Molecular consequence: synonymous variant. On other transcripts: non-coding transcript variant (8), intron variant (2).
Genome position (GRCh38, 1-based): chr1:55,058,121, T>C. VCF-style: chr1-55058121-T-C. GRCh37 (hg19) VCF-style: chr1-55523794-T-C.
Other names: c.1389T>C, p.Asp463= (NM_001407240.1); c.1266T>C, p.Asp422= (NM_001407241.1); c.1269T>C, p.Asp423= (NM_001407242.1); c.1209T>C, p.Asp403= (NM_001407243.1); c.1074T>C, p.Asp358= (NM_001407245.1); c.891T>C, p.Asp297= (NM_001407246.1); c.1181-378T>C (NM_001407244.1); c.1180+607T>C (NM_001407247.1).
Identifiers: ClinVar variation 925829 (VCV000925829.7), dbSNP rs1215843842, ClinGen allele CA417960180.

ClinVar aggregate classification (germline): Likely benign. Review status: criteria provided, multiple submitters, no conflicts (2 of 4 stars). 5 submissions from 5 submitters: Likely benign (5). Last evaluated 2025-07-29.

Conditions:
Cardiovascular phenotype. Identifiers: MedGen CN230736.
Familial hypercholesterolemia. Also called: Familial hypercholesterolemias; Familial hypercholesterolaemia. Identifiers: MedGen C0020445, MONDO:0005439.
Hypercholesterolemia, autosomal dominant, 3 (FHCL3). Also called: Familial hypercholesterolemia 3; Familial Hypercholesterolemia, Autosomal Dominant, 3; PCSK9-Related Familial Hypercholesterolemia, Autosomal Dominant. Identifiers: MedGen C1863551, MONDO:0011369, OMIM 603776.

Allele frequency attached by ClinVar (database versions not stated): gnomAD exomes below 0.00001.

Submissions (5):

Labcorp Genetics (formerly Invitae), Labcorp
Classification: Likely benign for Hypercholesterolemia, autosomal dominant, 3. Last evaluated: 2025-07-29. Review status: criteria provided, single submitter. Criteria: Invitae Variant Classification Sherloc (09022015). Collection method: clinical testing. Allele origin: germline.

ARUP Laboratories, Molecular Genetics and Genomics, ARUP Laboratories
Classification: Likely benign. Last evaluated: 2025-07-11. Review status: criteria provided, single submitter. Criteria: ARUP Molecular Germline Variant Investigation Process 2024. Collection method: clinical testing. Allele origin: germline.

Ambry Genetics
Classification: Likely benign for Cardiovascular phenotype. Last evaluated: 2024-06-09. Review status: criteria provided, single submitter. Criteria: Ambry Variant Classification Scheme 2023. Collection method: clinical testing. Allele origin: germline.

All of Us Research Program, National Institutes of Health
Classification: Likely benign for Hypercholesterolemia, autosomal dominant, 3. Last evaluated: 2023-10-02. Review status: criteria provided, single submitter. Criteria: ACMG Guidelines, 2015. Collection method: clinical testing. Allele origin: germline. Inheritance: Autosomal dominant inheritance. Observed: 1 variant allele, 1 heterozygote.
Comment: This study involves interpretation of variants in research participants for the purpose of population health screening. Participant phenotype was not available at the time of variant classification. Additional details can be found in publication PMID: 35346344, PMCID: PMC8962531

Color Diagnostics, LLC DBA Color Health
Classification: Likely benign for Familial hypercholesterolemia. Last evaluated: 2019-07-26. Review status: criteria provided, single submitter. Criteria: ACMG Guidelines, 2015. Collection method: clinical testing. Allele origin: germline.